The following is an entry in ClinVar:

NM_004333.6(BRAF):c.971A>G (p.Asp324Gly)

Gene: BRAF (B-Raf proto-oncogene, serine/threonine kinase; minus strand). Cytogenetic location: 7q34.
Variant type: single nucleotide variant.
Coding change: c.971A>G on transcript NM_004333.6 (MANE Select); coding-DNA position 971, A replaced by G.
Protein change: p.Asp324Gly; replaces aspartic acid 324 with glycine.
Molecular consequence: missense variant.
Genome position (GRCh38, 1-based): chr7:140,800,371, T>C on the plus strand (A>G on the coding strand, the complement: BRAF is on the minus strand). VCF-style: chr7-140800371-T-C. GRCh37 (hg19) VCF-style: chr7-140500171-T-C.
Other names: c.971A>G, p.Asp324Gly (NM_001354609.2, NM_001374244.1, NM_001374258.1 and 4 more transcripts); c.980A>G, p.Asp327Gly (NM_001378467.1); c.869A>G, p.Asp290Gly (NM_001378470.1); c.815A>G, p.Asp272Gly (NM_001378472.1, NM_001378473.1); c.707A>G, p.Asp236Gly (NM_001378475.1); short protein forms D236G, D272G, D290G, D324G, D327G.
Identifiers: ClinVar variation 3338723 (VCV003338723.1).
Genomic context (GRCh38, chr7:140,800,371, plus strand): 5'-AAGAAAGCGGTTCAAGTAGCATGTCGCCCAAGAGCAGAAGTCAAACCATACCCAATAGAG[T>C]CCGAGGCGGGTGCGGAAGGGGATGATCCAGATGTTAGGGCAGTCTCTGCTAAGGACGCCT-3'
Protein context (NP_004324.2, residues 314-334): SGSSPSAPAS[Asp324Gly]SIGPQILTSP

ClinVar aggregate classification (germline): Uncertain significance (1 of 4 stars; one submission).

Submission:

GeneDx
Classification: Uncertain significance. Last evaluated: 2023-09-26. Review status: criteria provided, single submitter. Criteria: GeneDx Variant Classification Process June 2021. Collection method: clinical testing. Allele origin: germline. Affected: yes.
Comment: Not observed at significant frequency in large population cohorts (gnomAD); Missense variants in this gene are often considered pathogenic (HGMD); In silico analysis supports that this missense variant does not alter protein structure/function; Has not been previously published as pathogenic or benign to our knowledge